The following is an entry in ClinVar:

ClinVar aggregate classification (germline): Uncertain significance (1 of 4 stars; one submission).

Conditions:
PLXNA4-related disorder. Also called: PLXNA4-related condition.

gnomAD v4.1: 14 of 1,613,916 alleles (0.00087%); highest among the groups gnomAD compares: Admixed American, 0.0067%; no homozygotes.

Submission:

PreventionGenetics, part of Exact Sciences
Classification: Uncertain significance for PLXNA4-related condition. Last evaluated: 2026-02-11. Review status: criteria provided, single submitter. Criteria: ACMG Guidelines, 2015. Collection method: clinical testing. Allele origin: germline.
Comment: The PLXNA4 c.4488C>G variant is predicted to result in the amino acid substitution p.Asp1496Glu. To our knowledge, this variant has not been reported in the literature. This variant is reported in 0.0058% of alleles in individuals of Latino descent in gnomAD. At this time, the clinical significance of this variant is uncertain due to the absence of conclusive functional and genetic evidence.

NM_020911.2(PLXNA4):c.4488C>G (p.Asp1496Glu)

Gene: PLXNA4 (plexin A4; minus strand). Cytogenetic location: 7q32.3.
Variant type: single nucleotide variant.
Coding change: c.4488C>G on transcript NM_020911.2 (MANE Select); coding-DNA position 4488, C replaced by G.
Protein change: p.Asp1496Glu; replaces aspartic acid 1496 with glutamic acid.
Molecular consequence: missense variant.
Genome position (GRCh38, 1-based): chr7:132,164,154, G>C on the plus strand (C>G on the coding strand, the complement: PLXNA4 is on the minus strand). VCF-style: chr7-132164154-G-C. GRCh37 (hg19) VCF-style: chr7-131848913-G-C.
Other names: c.4488C>G, p.Asp1496Glu (NM_001393897.1); short protein forms D1496E.
Identifiers: ClinVar variation 4990063 (VCV004990063.1).